The following is an entry in ClinVar:

ClinVar aggregate classification (germline): Uncertain significance (0 of 4 stars; one submission).

Conditions:
ALG14-related disorder. Also called: ALG14-related condition.

Allele frequency attached by ClinVar (database versions not stated): gnomAD exomes below 0.00001.
gnomAD v4.1: 1 of 1,613,376 alleles (0.000062%); highest among the groups gnomAD compares: Non-Finnish European, 0.000085%; no homozygotes.

Submission:

PreventionGenetics, part of Exact Sciences
Classification: Uncertain significance for ALG14-related condition. Last evaluated: 2024-07-24. Review status: no assertion criteria provided. Collection method: clinical testing. Allele origin: germline.
Comment: The ALG14 c.155T>A variant is predicted to result in the amino acid substitution p.Ile52Asn. To our knowledge, this variant has not been reported in the literature or in a large population database, indicating this variant is rare. At this time, the clinical significance of this variant is uncertain due to the absence of conclusive functional and genetic evidence.

NM_144988.4(ALG14):c.155T>A (p.Ile52Asn)

Genes: ALG14 (ALG14 UDP-N-acetylglucosaminyltransferase subunit; minus strand), ALG14-AS1 (ALG14 antisense RNA 1; plus strand). Cytogenetic location: 1p21.3.
Variant type: single nucleotide variant.
Coding change: c.155T>A on transcript NM_144988.4 (MANE Select); coding-DNA position 155, T replaced by A.
Protein change: p.Ile52Asn; replaces isoleucine 52 with asparagine.
Molecular consequence: missense variant.
Genome position (GRCh38, 1-based): chr1:95,064,999, A>T on the plus strand (T>A on the coding strand, the complement: ALG14 is on the minus strand). VCF-style: chr1-95064999-A-T. GRCh37 (hg19) VCF-style: chr1-95530555-A-T.
Other names: c.155T>A, p.Ile52Asn (NM_001305242.2); short protein forms I52N.
Identifiers: ClinVar variation 3030136 (VCV003030136.2), dbSNP rs2525848272, ClinGen allele CA341367031.